The following is an entry in ClinVar:

ClinVar aggregate classification (germline): Conflicting classifications of pathogenicity. Review status: criteria provided, conflicting classifications (1 of 4 stars). 4 submissions from 4 submitters: Likely pathogenic (2); Uncertain significance (1). 1 of the submissions does not count toward it. Last evaluated 2024-10-02.

Conditions:
ALMS1-related disorder. Also called: ALMS1-related condition.
Alstrom syndrome (ALMS). Identifiers: Orphanet 64, MedGen C0268425, MONDO:0008763, OMIM 203800.
Cardiovascular phenotype. Identifiers: MedGen CN230736.

Allele frequency attached by ClinVar (database versions not stated): gnomAD exomes below 0.00001; ExAC 0.00001; gnomAD 0.00001.
gnomAD v4.1: 4 of 1,614,016 alleles (0.00025%); highest among the groups gnomAD compares: Non-Finnish European, 0.00025%; no homozygotes.

Submissions (4):

Natera, Inc.
Classification: Likely pathogenic for Alstrom syndrome. Last evaluated: 2024-10-02. Review status: criteria provided, single submitter. Criteria: Natera Variant Classification Schema (03/2026). Collection method: clinical testing. Allele origin: germline.
Comment: The c.7678-2A>G variant in ALMS1 is a canonical splice acceptor site variant predicted to affect pre-mRNA splicing, which may result in an abnormal transcript and altered protein product. This variant is expected to result in nonsense mediated decay, truncation, or a dysfunctional protein product. This variant is rare in the general population with a frequency below the threshold expected for the associated phenotype(s). Given the available evidence, this variant is classified as Likely Pathogenic.

Ambry Genetics
Classification: Uncertain significance for Cardiovascular phenotype. Last evaluated: 2023-10-03. Review status: criteria provided, single submitter. Criteria: Ambry Variant Classification Scheme 2023. Collection method: clinical testing. Allele origin: germline.
Comment: The c.7678-2A>G intronic variant results from an A to G substitution two nucleotides upstream from coding exon 10 in the ALMS1 gene. Alterations that disrupt the canonical splice site are expected to result in aberrant splicing. In silico splice site analysis predicts that this alteration will weaken the native splice acceptor site and may result in the creation or strengthening of a novel splice acceptor site. The resulting transcript is predicted to be in-frame and is not expected to trigger nonsense-mediated mRNAdecay; however, direct evidence is unavailable. The exact functional effect of the altered amino acid sequence is unknown. This nucleotide position is highly conserved in available vertebrate species. Since supporting evidence is limited at this time, the clinical significance of this alteration remains unclear.

Blueprint Genetics
Classification: Likely pathogenic for ALMS1-related disorders. Last evaluated: 2021-03-10. Review status: criteria provided, single submitter. Criteria: ACMG Guidelines, 2015. Collection method: clinical testing. Allele origin: germline. Affected: yes. Observed: 1 variant allele.

Counsyl
Classification: Likely pathogenic for Alstrom syndrome. Last evaluated: 2018-03-08. Review status: no assertion criteria provided. Collection method: clinical testing. Allele origin: unknown. Not counted in ClinVar's aggregate classification.

NM_001378454.1(ALMS1):c.7675-2A>G

Gene: ALMS1 (ALMS1 centrosome and basal body associated protein; plus strand). Cytogenetic location: 2p13.1.
Variant type: single nucleotide variant.
Coding change: c.7675-2A>G on transcript NM_001378454.1 (MANE Select); the canonical splice acceptor site of the intron before coding-DNA position 7675, A replaced by G.
Molecular consequence: splice acceptor variant.
Genome position (GRCh38, 1-based): chr2:73,489,632, A>G. VCF-style: chr2-73489632-A-G. GRCh37 (hg19) VCF-style: chr2-73716759-A-G.
Other names: c.7675-2A>G (NM_015120.4); c.7678-2A>G (NM_015120.4).
Identifiers: ClinVar variation 557127 (VCV000557127.6), dbSNP rs748477695, ClinGen allele CA1714316.